The following is an entry in ClinVar:

NM_176787.5(PIGN):c.250G>A (p.Gly84Ser)

Gene: PIGN (phosphatidylinositol glycan anchor biosynthesis class N; minus strand). Cytogenetic location: 18q21.33.
Variant type: single nucleotide variant.
Coding change: c.250G>A on transcript NM_176787.5 (MANE Select); coding-DNA position 250, G replaced by A.
Protein change: p.Gly84Ser; replaces glycine 84 with serine.
Molecular consequence: missense variant.
Genome position (GRCh38, 1-based): chr18:62,157,780, C>T on the plus strand (G>A on the coding strand, the complement: PIGN is on the minus strand). VCF-style: chr18-62157780-C-T. GRCh37 (hg19) VCF-style: chr18-59825013-C-T.
Other names: c.250G>A, p.Gly84Ser (NM_012327.6); short protein forms G84S.
Identifiers: ClinVar variation 539551 (VCV000539551.6), dbSNP rs1244229285, ClinGen allele CA402603857.

ClinVar aggregate classification (germline): Uncertain significance (1 of 4 stars; one submission).

Conditions:
Multiple congenital anomalies-hypotonia-seizures syndrome 1 (MCAHS1). Also called: PIGN-CDG; Congenital disorder of glycosylation due to PIGN deficiency; GLYCOSYLPHOSPHATIDYLINOSITOL BIOSYNTHESIS DEFECT 3. Identifiers: Orphanet 280633, MedGen C3279775, MONDO:0013563, OMIM 614080.

Allele frequency attached by ClinVar (database versions not stated): gnomAD exomes 0.00001.
gnomAD v4.1: 14 of 1,611,988 alleles (0.00087%); highest among the groups gnomAD compares: South Asian, 0.0011%; no homozygotes.

Submission:

Labcorp Genetics (formerly Invitae), Labcorp
Classification: Uncertain significance for Multiple congenital anomalies-hypotonia-seizures syndrome 1. Last evaluated: 2022-06-20. Review status: criteria provided, single submitter. Criteria: Invitae Variant Classification Sherloc (09022015). Collection method: clinical testing. Allele origin: germline.
Comment: This sequence change replaces glycine, which is neutral and non-polar, with serine, which is neutral and polar, at codon 84 of the PIGN protein (p.Gly84Ser). This variant is present in population databases (no rsID available, gnomAD 0.003%). This variant has not been reported in the literature in individuals affected with PIGN-related conditions. ClinVar contains an entry for this variant (Variation ID: 539551). Algorithms developed to predict the effect of missense changes on protein structure and function (SIFT, PolyPhen-2, Align-GVGD) all suggest that this variant is likely to be disruptive. In summary, the available evidence is currently insufficient to determine the role of this variant in disease. Therefore, it has been classified as a Variant of Uncertain Significance.